The following is an entry in ClinVar:

NM_000264.5(PTCH1):c.3195C>T (p.Val1065=)

Gene: PTCH1 (patched 1; minus strand). Cytogenetic location: 9q22.32.
Variant type: single nucleotide variant.
Coding change: c.3195C>T on transcript NM_000264.5 (MANE Select); coding-DNA position 3195, C replaced by T.
Protein change: p.Val1065=; no amino-acid change (valine 1065 retained).
Molecular consequence: synonymous variant. On other transcripts: non-coding transcript variant (1).
Genome position (GRCh38, 1-based): chr9:95,456,387, G>A on the plus strand (C>T on the coding strand, the complement: PTCH1 is on the minus strand). VCF-style: chr9-95456387-G-A. GRCh37 (hg19) VCF-style: chr9-98218669-G-A.
Other names: c.2997C>T, p.Val999= (NM_001083602.3); c.3192C>T, p.Val1064= (NM_001083603.3); c.2742C>T, p.Val914= (NM_001083604.3, NM_001083605.3, NM_001083606.3 and 1 more transcripts); c.3039C>T, p.Val1013= (NM_001354918.2).
Identifiers: ClinVar variation 524599 (VCV000524599.18), dbSNP rs370936145, ClinGen allele CA5138216.

ClinVar aggregate classification (germline): Likely benign. Review status: criteria provided, multiple submitters, no conflicts (2 of 4 stars). 3 submissions from 3 submitters: Likely benign (2). 1 of the submissions does not count toward it. Last evaluated 2026-01-19.

Conditions:
Gorlin syndrome. Also called: Basal cell nevus syndrome; Nevoid Basal Cell Carcinoma Syndrome. Identifiers: Orphanet 377, MedGen C0004779, MONDO:0007187.
Hereditary cancer-predisposing syndrome. Also called: Neoplastic Syndromes, Hereditary; Tumor predisposition; Hereditary neoplastic syndrome; Hereditary Cancer Syndrome. Identifiers: Orphanet 140162, MedGen C0027672, MeSH D009386, MONDO:0015356.
PTCH1-related disorder. Also called: PTCH1-related disorders; PTCH1-related condition.

Allele frequency attached by ClinVar (database versions not stated): ESP Exome Variant Server 0.00008; gnomAD 0.00021 and 0.00022; TOPMed 0.00026; 1000 Genomes Project 0.00040; 1000 Genomes Project 30x 0.00047.
gnomAD v4.1: 61 of 1,614,000 alleles (0.0038%); highest among the groups gnomAD compares: African/African-American, 0.057%; no homozygotes.

Submissions (3):

Labcorp Genetics (formerly Invitae), Labcorp
Classification: Likely benign for Gorlin syndrome. Last evaluated: 2026-01-19. Review status: criteria provided, single submitter. Criteria: Invitae Variant Classification Sherloc (09022015). Collection method: clinical testing. Allele origin: germline.

Ambry Genetics
Classification: Likely benign for Hereditary cancer-predisposing syndrome. Last evaluated: 2018-09-20. Review status: criteria provided, single submitter. Criteria: Ambry Variant Classification Scheme 2023. Collection method: clinical testing. Allele origin: germline.

PreventionGenetics, part of Exact Sciences
Classification: Likely benign for PTCH1-related condition. Last evaluated: 2021-12-06. Review status: no assertion criteria provided. Collection method: clinical testing. Allele origin: germline. Not counted in ClinVar's aggregate classification.
Comment: This variant is classified as likely benign based on ACMG/AMP sequence variant interpretation guidelines (Richards et al. 2015 PMID: 25741868, with internal and published modifications).